The following is an entry in ClinVar:

ClinVar aggregate classification (germline): Uncertain significance (1 of 4 stars; one submission).

Conditions:
MEGF10-related myopathy (CMYO10A). Also called: Congenital myopathy 10A, severe variant. Identifiers: Orphanet 439212, MedGen C3280679, MONDO:0013731, OMIM 614399.

gnomAD v4.1: 1 of 1,614,090 alleles (0.000062%); highest among the groups gnomAD compares: Non-Finnish European, 0.000085%; no homozygotes.

Submission:

Labcorp Genetics (formerly Invitae), Labcorp
Classification: Uncertain significance for MEGF10-related myopathy. Last evaluated: 2021-11-04. Review status: criteria provided, single submitter. Criteria: Invitae Variant Classification Sherloc (09022015). Collection method: clinical testing. Allele origin: germline.
Comment: This sequence change replaces threonine, which is neutral and polar, with isoleucine, which is neutral and non-polar, at codon 977 of the MEGF10 protein (p.Thr977Ile). This variant is not present in population databases (gnomAD no frequency). This variant has not been reported in the literature in individuals affected with MEGF10-related conditions. Algorithms developed to predict the effect of missense changes on protein structure and function are either unavailable or do not agree on the potential impact of this missense change (SIFT: "Deleterious"; PolyPhen-2: "Possibly Damaging"; Align-GVGD: "Class C0"). In summary, the available evidence is currently insufficient to determine the role of this variant in disease. Therefore, it has been classified as a Variant of Uncertain Significance.

NM_001256545.2(MEGF10):c.2930C>T (p.Thr977Ile)

Gene: MEGF10 (multiple EGF like domains 10; plus strand). Cytogenetic location: 5q23.2.
Variant type: single nucleotide variant.
Coding change: c.2930C>T on transcript NM_001256545.2 (MANE Select); coding-DNA position 2930, C replaced by T.
Protein change: p.Thr977Ile; replaces threonine 977 with isoleucine.
Molecular consequence: missense variant.
Genome position (GRCh38, 1-based): chr5:127,449,172, C>T. VCF-style: chr5-127449172-C-T. GRCh37 (hg19) VCF-style: chr5-126784864-C-T.
Other names: c.2930C>T, p.Thr977Ile (NM_032446.3); short protein forms T977I.
Identifiers: ClinVar variation 1396402 (VCV001396402.3), dbSNP rs1209092369, ClinGen allele CA360735493.